The following is an entry in ClinVar:

ClinVar aggregate classification (germline): Likely pathogenic (1 of 4 stars; one submission).

Conditions:
Autosomal recessive polycystic kidney disease (ARPKD). Also called: AR polycystic kidney disease. Identifiers: Orphanet 731, Orphanet 8378, MedGen C0085548, MeSH D017044, MONDO:0009889.

Submission:

Natera, Inc.
Classification: Likely pathogenic for Autosomal recessive polycystic kidney disease. Last evaluated: 2024-11-25. Review status: criteria provided, single submitter. Criteria: Natera Variant Classification Schema (03/2026). Collection method: clinical testing. Allele origin: germline.
Comment: The c.2177del variant in PKHD1 is a frameshift variant predicted to shift the reading frame beginning at codon 726 and leads to a stop codon 51 codons downstream. This variant is expected to result in nonsense mediated decay, truncation, or a dysfunctional protein product. This variant is rare in the general population with a frequency below the threshold expected for the associated phenotype(s). Given the available evidence, this variant is classified as Likely Pathogenic.

NM_138694.4(PKHD1):c.2177del (p.Gly726fs)

Gene: PKHD1 (PKHD1 ciliary IPT domain containing fibrocystin/polyductin; minus strand). Cytogenetic location: 6p12.2.
Variant type: Deletion.
Coding change: c.2177del on transcript NM_138694.4 (MANE Select); coding-DNA position 2177, one base deleted (G; older notation c.2177delG).
Protein change: p.Gly726fs; shifts the reading frame from glycine 726.
Molecular consequence: frameshift variant.
Genome position (GRCh38, 1-based): chr6:52,050,259, C deleted on the plus strand (G on the coding strand, the reverse complement: PKHD1 is on the minus strand); the first of 5 consecutive C bases (chr6:52,050,259-52,050,263); deleting any one gives the same sequence. VCF-style (leftmost placement, unchanged base first): chr6-52050258-GC-G. GRCh37 (hg19) VCF-style: chr6-51915056-GC-G.
Other names: c.2177del, p.Gly726fs (NM_170724.3); c.2177del (NM_138694.3); short protein forms G726fs.
Identifiers: ClinVar variation 4816600 (VCV004816600.1).